The following is an entry in ClinVar:

NM_001195263.2(PDZD7):c.2353A>C (p.Ser785Arg)

Gene: PDZD7 (PDZ domain containing 7; minus strand). Cytogenetic location: 10q24.31.
Variant type: single nucleotide variant.
Coding change: c.2353A>C on transcript NM_001195263.2 (MANE Select); coding-DNA position 2353, A replaced by C.
Protein change: p.Ser785Arg; replaces serine 785 with arginine.
Molecular consequence: missense variant.
Genome position (GRCh38, 1-based): chr10:101,010,536, T>G on the plus strand (A>C on the coding strand, the complement: PDZD7 is on the minus strand). VCF-style: chr10-101010536-T-G. GRCh37 (hg19) VCF-style: chr10-102770293-T-G.
Other names: short protein forms S785R.
Identifiers: ClinVar variation 1341337 (VCV001341337.1), dbSNP rs1852358426, ClinGen allele CA378224471.

ClinVar aggregate classification (germline): Uncertain significance (1 of 4 stars; one submission).

Conditions:
Hearing loss, autosomal recessive 57. Also called: DEAFNESS, AUTOSOMAL RECESSIVE 57. Identifiers: MedGen C4693893, MONDO:0033201, OMIM 618003.

Submission:

Baylor Genetics
Classification: Uncertain significance for Hearing loss, autosomal recessive 57. Last evaluated: 2022-01-11. Review status: criteria provided, single submitter. Criteria: ACMG Guidelines, 2015. Collection method: clinical testing. Allele origin: unknown. Affected: yes. Study: CSER-TexasKidsCanSeq.
Comment: This variant was determined to be of uncertain significance according to ACMG Guidelines, 2015 [PMID:25741868].